The following is an entry in ClinVar:

NM_001367624.2(ZNF469):c.3411A>G (p.Lys1137=)

Gene: ZNF469 (zinc finger protein 469; plus strand). Cytogenetic location: 16q24.2.
Variant type: single nucleotide variant.
Coding change: c.3411A>G on transcript NM_001367624.2 (MANE Select); coding-DNA position 3411, A replaced by G.
Protein change: p.Lys1137=; no amino-acid change (lysine 1137 retained).
Molecular consequence: synonymous variant.
Genome position (GRCh38, 1-based): chr16:88,430,881, A>G. VCF-style: chr16-88430881-A-G. GRCh37 (hg19) VCF-style: chr16-88497289-A-G.
Other names: NM_001127464.1:c.3327A>G; NM_001127464.2:c.3327A>G.
Identifiers: ClinVar variation 1198893 (VCV001198893.17), dbSNP rs1460697592, ClinGen allele CA497354183.

ClinVar aggregate classification (germline): Likely benign. Review status: criteria provided, multiple submitters, no conflicts (2 of 4 stars). 6 submissions from 6 submitters: Likely benign (5). 1 of the submissions does not count toward it. Last evaluated 2026-01-12.

Conditions:
ZNF469-related disorder. Also called: ZNF469-related condition.
Cardiovascular phenotype. Identifiers: MedGen CN230736.

Allele frequency attached by ClinVar (database versions not stated): gnomAD exomes 0.00004 and 0.00011; TOPMed 0.00006; gnomAD 0.00010; 1000 Genomes Project 30x 0.00016.
gnomAD v4.1: 159 of 1,536,618 alleles (0.01%); highest among the groups gnomAD compares: Non-Finnish European, 0.013%; no homozygotes.

Submissions (6):

Labcorp Genetics (formerly Invitae), Labcorp
Classification: Likely benign. Last evaluated: 2026-01-12. Review status: criteria provided, single submitter. Criteria: Invitae Variant Classification Sherloc (09022015). Collection method: clinical testing. Allele origin: germline.

Women's Health and Genetics/Laboratory Corporation of America, LabCorp
Classification: Likely benign. Last evaluated: 2024-12-24. Review status: criteria provided, single submitter. Criteria: LabCorp Variant Classification Summary - May 2015. Collection method: clinical testing. Allele origin: germline.

Blueprint Genetics
Classification: Likely benign. Last evaluated: 2022-12-22. Review status: criteria provided, single submitter. Criteria: ACMG Guidelines, 2015. Collection method: clinical testing. Allele origin: germline.

GeneDx
Classification: Likely benign. Last evaluated: 2021-01-19. Review status: criteria provided, single submitter. Criteria: GeneDx Variant Classification Process June 2021. Collection method: clinical testing. Allele origin: germline. Affected: yes.

Ambry Genetics
Classification: Likely benign for Cardiovascular phenotype. Last evaluated: 2019-07-23. Review status: criteria provided, single submitter. Criteria: Ambry Variant Classification Scheme 2023. Collection method: clinical testing. Allele origin: germline.

PreventionGenetics, part of Exact Sciences
Classification: Likely benign for ZNF469-related condition. Last evaluated: 2021-10-18. Review status: no assertion criteria provided. Collection method: clinical testing. Allele origin: germline. Not counted in ClinVar's aggregate classification.
Comment: This variant is classified as likely benign based on ACMG/AMP sequence variant interpretation guidelines (Richards et al. 2015 PMID: 25741868, with internal and published modifications).